The following is an entry in ClinVar:

NM_000287.4(PEX6):c.1998G>T (p.Glu666Asp)

Gene: PEX6 (peroxisomal biogenesis factor 6; minus strand). Cytogenetic location: 6p21.1.
Variant type: single nucleotide variant.
Coding change: c.1998G>T on transcript NM_000287.4 (MANE Select); coding-DNA position 1998, G replaced by T.
Protein change: p.Glu666Asp; replaces glutamic acid 666 with aspartic acid.
Molecular consequence: missense variant. On other transcripts: non-coding transcript variant (1).
Genome position (GRCh38, 1-based): chr6:42,966,621, C>A on the plus strand (G>T on the coding strand, the complement: PEX6 is on the minus strand). VCF-style: chr6-42966621-C-A. GRCh37 (hg19) VCF-style: chr6-42934359-C-A.
Other names: c.1734G>T, p.Glu578Asp (NM_001316313.2); short protein forms E666D, E578D.
Identifiers: ClinVar variation 1966909 (VCV001966909.2), dbSNP rs1318413801, ClinGen allele CA364152859.

ClinVar aggregate classification (germline): Uncertain significance (1 of 4 stars; one submission).

Conditions:
Peroxisome biogenesis disorder. Identifiers: Orphanet 79189, MedGen C1832200, MONDO:0019234. Disease mechanism: loss of function.

Submission:

Labcorp Genetics (formerly Invitae), Labcorp
Classification: Uncertain significance for Peroxisome biogenesis disorder. Last evaluated: 2022-06-22. Review status: criteria provided, single submitter. Criteria: Invitae Variant Classification Sherloc (09022015). Collection method: clinical testing. Allele origin: germline.
Comment: This sequence change replaces glutamic acid, which is acidic and polar, with aspartic acid, which is acidic and polar, at codon 666 of the PEX6 protein (p.Glu666Asp). This variant is present in population databases (no rsID available, gnomAD 0.0009%). This variant has not been reported in the literature in individuals affected with PEX6-related conditions. Algorithms developed to predict the effect of missense changes on protein structure and function output the following: SIFT: "Tolerated"; PolyPhen-2: "Benign"; Align-GVGD: "Class C0". The aspartic acid amino acid residue is found in multiple mammalian species, which suggests that this missense change does not adversely affect protein function. In summary, the available evidence is currently insufficient to determine the role of this variant in disease. Therefore, it has been classified as a Variant of Uncertain Significance.